The following is an entry in ClinVar:

ClinVar aggregate classification (germline): Uncertain significance (1 of 4 stars; one submission).

Conditions:
Ellis-van Creveld syndrome (EVC). Also called: EVC-Related Ellis-van Creveld Syndrome; EVC2-Related Ellis-van Creveld Syndrome; Chondroectodermal dysplasia; MESOECTODERMAL DYSPLASIA. Identifiers: Orphanet 289, MedGen C0013903, MONDO:0009162, OMIM 225500.
Curry-Hall syndrome (WAD). Also called: WEYERS ACRODENTAL DYSOSTOSIS. Identifiers: Orphanet 952, MedGen C0457013, MONDO:0008673, OMIM 193530.

Submission:

Labcorp Genetics (formerly Invitae), Labcorp
Classification: Uncertain significance for Curry-Hall syndrome; Ellis-van Creveld syndrome. Last evaluated: 2022-04-22. Review status: criteria provided, single submitter. Criteria: Invitae Variant Classification Sherloc (09022015). Collection method: clinical testing. Allele origin: germline.
Comment: In summary, the available evidence is currently insufficient to determine the role of this variant in disease. Therefore, it has been classified as a Variant of Uncertain Significance. Algorithms developed to predict the effect of missense changes on protein structure and function are either unavailable or do not agree on the potential impact of this missense change (SIFT: "Tolerated"; PolyPhen-2: "Possibly Damaging"; Align-GVGD: "Class C0"). This variant has not been reported in the literature in individuals affected with EVC2-related conditions. This variant is not present in population databases (gnomAD no frequency). This sequence change replaces threonine, which is neutral and polar, with isoleucine, which is neutral and non-polar, at codon 986 of the EVC2 protein (p.Thr986Ile).

NM_147127.5(EVC2):c.2957C>T (p.Thr986Ile)

Gene: EVC2 (EvC ciliary complex subunit 2; minus strand). Cytogenetic location: 4p16.2.
Variant type: single nucleotide variant.
Coding change: c.2957C>T on transcript NM_147127.5 (MANE Select); coding-DNA position 2957, C replaced by T.
Protein change: p.Thr986Ile; replaces threonine 986 with isoleucine.
Molecular consequence: missense variant.
Genome position (GRCh38, 1-based): chr4:5,584,723, G>A on the plus strand (C>T on the coding strand, the complement: EVC2 is on the minus strand). VCF-style: chr4-5584723-G-A. GRCh37 (hg19) VCF-style: chr4-5586450-G-A.
Other names: c.2717C>T, p.Thr906Ile (NM_001166136.2); short protein forms T986I, T906I.
Identifiers: ClinVar variation 2129159 (VCV002129159.4), dbSNP rs2475235699, ClinGen allele CA356154236.
Genomic context (GRCh38, chr4:5,584,723, plus strand): 5'-GTCAGCATCTCAGATGCACTCAGCTCTTCCAGGAGCAAGTCCTGGATGCTGAGGAGGGCG[G>A]TGTAGGCCGACAGAGTCTCGGTCACCCGGGACGCCTTCTGGAACTGCAGAGCAACAAGCG-3'
Protein context (NP_667338.3, residues 976-996): SRVTETLSAY[Thr986Ile]ALLSIQDLLL